The following is an entry in ClinVar:

NM_001112726.3(CEP170B):c.813C>T (p.Ile271=)

Gene: CEP170B (centrosomal protein 170B; plus strand). Cytogenetic location: 14q32.33.
Variant type: single nucleotide variant.
Coding change: c.813C>T on transcript NM_001112726.3 (MANE Select); coding-DNA position 813, C replaced by T.
Protein change: p.Ile271=; no amino-acid change (isoleucine 271 retained).
Molecular consequence: synonymous variant.
Genome position (GRCh38, 1-based): chr14:104,883,270, C>T. VCF-style: chr14-104883270-C-T. GRCh37 (hg19) VCF-style: chr14-105349607-C-T.
Other names: c.603C>T, p.Ile201= (NM_015005.3).
Identifiers: ClinVar variation 3038796 (VCV003038796.2), dbSNP rs7147858, ClinGen allele CA7375419.

ClinVar aggregate classification (germline): Benign (0 of 4 stars; one submission).

Conditions:
CEP170B-related disorder. Also called: CEP170B-related condition.

Allele frequency attached by ClinVar (database versions not stated): ExAC 0.00220; 1000 Genomes Project 30x 0.00609; 1000 Genomes Project 0.00659; gnomAD 0.00724; ESP Exome Variant Server 0.00801; TOPMed 0.00802.
gnomAD v4.1: 2,105 of 1,611,730 alleles (0.13%); highest among the groups gnomAD compares: African/African-American, 2.3%; 34 homozygotes.

Submission:

PreventionGenetics, part of Exact Sciences
Classification: Benign for CEP170B-related condition. Last evaluated: 2020-02-17. Review status: no assertion criteria provided. Collection method: clinical testing. Allele origin: germline.
Comment: This variant is classified as benign based on ACMG/AMP sequence variant interpretation guidelines (Richards et al. 2015 PMID: 25741868, with internal and published modifications).